The following is an entry in ClinVar:

ClinVar aggregate classification (germline): Likely benign (1 of 4 stars; one submission).

Conditions:
FOCAD-related disorder. Also called: FOCAD-related condition.

gnomAD v4.1: 9 of 1,613,832 alleles (0.00056%); highest among the groups gnomAD compares: African/African-American, 0.0013%; no homozygotes.

Submission:

PreventionGenetics, part of Exact Sciences
Classification: Likely benign for FOCAD-related condition. Last evaluated: 2025-09-29. Review status: criteria provided, single submitter. Criteria: ACMG Guidelines, 2015. Collection method: clinical testing. Allele origin: germline.
Comment: This variant is classified as likely benign based on ACMG/AMP sequence variant interpretation guidelines (Richards et al. 2015 PMID: 25741868, with internal and published modifications).

NM_001375567.1(FOCAD):c.5310A>T (p.Ala1770=)

Gene: FOCAD (focadhesin; plus strand). Cytogenetic location: 9p21.3.
Variant type: single nucleotide variant.
Coding change: c.5310A>T on transcript NM_001375567.1 (MANE Select); coding-DNA position 5310, A replaced by T.
Protein change: p.Ala1770=; no amino-acid change (alanine 1770 retained).
Molecular consequence: synonymous variant.
Genome position (GRCh38, 1-based): chr9:20,993,306, A>T. VCF-style: chr9-20993306-A-T. GRCh37 (hg19) VCF-style: chr9-20993305-A-T.
Other names: c.5205A>T, p.Ala1735= (NM_001375568.1, NM_001375570.1); c.5310A>T, p.Ala1770= (NM_017794.5).
Identifiers: ClinVar variation 5000079 (VCV005000079.1).